The following is an entry in ClinVar:

NM_000038.6(APC):c.6494del (p.Pro2165fs)

Gene: APC (APC regulator of Wnt signaling pathway; plus strand). Cytogenetic location: 5q22.2.
Variant type: Deletion.
Coding change: c.6494del on transcript NM_000038.6 (MANE Select); coding-DNA position 6494, one base deleted (C; older notation c.6494delC).
Protein change: p.Pro2165fs; shifts the reading frame from proline 2165.
Molecular consequence: frameshift variant. On other transcripts: non-coding transcript variant (2).
Genome position (GRCh38, 1-based): chr5:112,842,088, C deleted; the last of 3 consecutive C bases (chr5:112,842,086-112,842,088); deleting any one gives the same sequence. VCF-style (leftmost placement, unchanged base first): chr5-112842085-GC-G. GRCh37 (hg19) VCF-style: chr5-112177782-GC-G.
Other names: c.6494del, p.Pro2165fs (NM_001127510.3, NM_001354895.2, NM_001407450.1); c.6440del, p.Pro2147fs (NM_001127511.3); c.6548del, p.Pro2183fs (NM_001354896.2, NM_001407447.1, NM_001407448.1 and 1 more transcripts); c.6524del, p.Pro2175fs (NM_001354897.2); c.6419del, p.Pro2140fs (NM_001354898.2); c.6410del, p.Pro2137fs (NM_001354899.2); c.6371del, p.Pro2124fs (NM_001354900.2); c.6317del, p.Pro2106fs (NM_001354901.2, NM_001407453.1); and 11 more; short protein forms P1781fs, P1882fs, P2005fs, P2036fs, P2039fs, P2064fs, P2074fs, P2082fs.
Identifiers: ClinVar variation 2583201 (VCV002583201.3), dbSNP rs2533718460, ClinGen allele CA2582341612.

ClinVar aggregate classification (germline): Pathogenic/Likely pathogenic. Review status: criteria provided, multiple submitters, no conflicts (2 of 4 stars). 2 submissions from 2 submitters: Pathogenic (1); Likely pathogenic (1). Last evaluated 2026-02-10.

Conditions:
Familial adenomatous polyposis 1 (FAP1). Also called: FAMILIAL ADENOMATOUS POLYPOSIS 1, ATTENUATED; POLYPOSIS, ADENOMATOUS INTESTINAL. Identifiers: MedGen C2713442, MONDO:0021056, OMIM 175100. Disease mechanism: loss of function.
Classic or attenuated familial adenomatous polyposis. Identifiers: MedGen CN372698, MONDO:0021057.

Submissions (2):

Hema, HEMA – Genetic and Molecular Diagnostic Laboratory
Classification: Likely pathogenic for Classic or attenuated familial adenomatous polyposis. Last evaluated: 2026-02-10. Review status: criteria provided, single submitter. Criteria: HEMA Variant Classification Assertion Criteria. Collection method: clinical testing. Allele origin: germline.
Comment: It is a cytosine deletion that results in a frameshift. PVS1: Null variant (frameshift) in a gene for which loss of function is a known disease mechanism. It is a frameshift variant that introduces a premature stop codon between codons 49 and 2645, which is predicted to result in nonsense-mediated decay (NMD) of the transcript. PM2_Supporting: Absent in the gnomAD v4.1.0 database.

Myriad Genetics, Inc.
Classification: Pathogenic for Familial adenomatous polyposis 1. Last evaluated: 2023-05-15. Review status: criteria provided, single submitter. Criteria: Myriad Autosomal Dominant, Autosomal Recessive and X-Linked Classification Criteria (2023). Collection method: clinical testing. Allele origin: unknown.
Comment: This variant is considered pathogenic. This variant creates a frameshift predicted to result in premature protein truncation.